The following is an entry in ClinVar:

NM_000169.3(GLA):c.971T>A (p.Leu324Ter)

Genes: RPL36A-HNRNPH2 (RPL36A-HNRNPH2 readthrough; plus strand), GLA (galactosidase alpha; minus strand). Cytogenetic location: Xq22.1.
Variant type: single nucleotide variant.
Coding change: c.971T>A on transcript NM_000169.3 (MANE Select); coding-DNA position 971, T replaced by A.
Protein change: p.Leu324Ter; replaces leucine 324 with a stop codon.
Molecular consequence: nonsense. On other transcripts: non-coding transcript variant (3), intron variant (2).
Genome position (GRCh38, 1-based): chrX:101,398,398, A>T on the plus strand (T>A on the coding strand, the complement: GLA is on the minus strand). VCF-style: chrX-101398398-A-T. GRCh37 (hg19) VCF-style: chrX-100653386-A-T.
Other names: c.1094T>A, p.Leu365Ter (NM_001406747.1); c.971T>A, p.Leu324Ter (NM_001406748.1); c.300+2941A>T (NM_001199973.2); c.177+6576A>T (NM_001199974.2); short protein forms L324*, L365*.
Identifiers: ClinVar variation 3643202 (VCV003643202.2), dbSNP rs869312456.
Genomic context (GRCh38, chrX:101,398,398, plus strand): 5'-AAAGCCATCTTAAAATATATACTCTTATTTACCTGTCTAAGCTGGTACCCTTGCTTGCCC[A>T]AGGGGTCCTGATTGATGGCAATTACGTCCTTATCCTGAAGGAGAGCTTTGGCTTGAGGGC-3'

ClinVar aggregate classification (germline): Pathogenic (1 of 4 stars; one submission).

Conditions:
Fabry disease. Also called: Fabry's disease; ALPHA-GALACTOSIDASE A DEFICIENCY; ANDERSON-FABRY DISEASE; CERAMIDE TRIHEXOSIDASE DEFICIENCY; GLA DEFICIENCY; HEREDITARY DYSTOPIC LIPIDOSIS. Identifiers: Orphanet 324, MedGen C0002986, MONDO:0010526, OMIM 301500, HP:0001071. Disease mechanism: Fabry disease is due to inactivating mutations in the X-linked GLA gene resulting in deficiency of the enzyme Alpha Galactosidase-A., loss of function.

Submission:

Labcorp Genetics (formerly Invitae), Labcorp
Classification: Pathogenic for Fabry disease. Last evaluated: 2024-02-25. Review status: criteria provided, single submitter. Criteria: Invitae Variant Classification Sherloc (09022015). Collection method: clinical testing. Allele origin: germline.
Comment: This sequence change creates a premature translational stop signal (p.Leu324*) in the GLA gene. While this is not anticipated to result in nonsense mediated decay, it is expected to disrupt the last 106 amino acid(s) of the GLA protein. This variant is not present in population databases (gnomAD no frequency). This variant has not been reported in the literature in individuals affected with GLA-related conditions. This variant disrupts a region of the GLA protein in which other variant(s) (p.Thr410Ala) have been determined to be pathogenic (PMID: 12694230, 22004918, 30380558). This suggests that this is a clinically significant region of the protein, and that variants that disrupt it are likely to be disease-causing. For these reasons, this variant has been classified as Pathogenic.

Literature cited by the submitters: PubMed 12694230; PubMed 22004918; PubMed 30380558.